The following is an entry in ClinVar:

NM_000474.4(TWIST1):c.467T>G (p.Ile156Ser)

Genes: TWIST1 (twist family bHLH transcription factor 1; minus strand), LOC129998021 (ATAC-STARR-seq lymphoblastoid active region 25682; plus strand). Cytogenetic location: 7p21.1.
Variant type: single nucleotide variant.
Coding change: c.467T>G on transcript NM_000474.4 (MANE Select); coding-DNA position 467, T replaced by G.
Protein change: p.Ile156Ser; replaces isoleucine 156 with serine.
Molecular consequence: missense variant. On other transcripts: non-coding transcript variant (1).
Genome position (GRCh38, 1-based): chr7:19,116,855, A>C on the plus strand (T>G on the coding strand, the complement: TWIST1 is on the minus strand). VCF-style: chr7-19116855-A-C. GRCh37 (hg19) VCF-style: chr7-19156478-A-C.
Other names: short protein forms I156S.
Identifiers: ClinVar variation 1455499 (VCV001455499.6), dbSNP rs2115396578, ClinGen allele CA367015375.

ClinVar aggregate classification (germline): Pathogenic (1 of 4 stars; one submission).

Conditions:
Saethre-Chotzen syndrome (SCS). Also called: ACROCEPHALY, SKULL ASYMMETRY, AND MILD SYNDACTYLY; ACS III; CHOTZEN SYNDROME. Identifiers: Orphanet 794, MedGen C0175699, MONDO:0007042, OMIM 101400.
TWIST1-related craniosynostosis (CRS1). Also called: CRANIOSYNOSTOSIS 1. Identifiers: Orphanet 63440, MedGen C4551902, MONDO:0007399, OMIM 123100. Inheritance: Heterogenous inheritance pattern.

Submission:

Labcorp Genetics (formerly Invitae), Labcorp
Classification: Pathogenic for TWIST1-related craniosynostosis; Saethre-Chotzen syndrome. Last evaluated: 2022-07-12. Review status: criteria provided, single submitter. Criteria: Invitae Variant Classification Sherloc (09022015). Collection method: clinical testing. Allele origin: germline.
Comment: This sequence change replaces isoleucine, which is neutral and non-polar, with serine, which is neutral and polar, at codon 156 of the TWIST1 protein (p.Ile156Ser). This variant is not present in population databases (gnomAD no frequency). This missense change has been observed in individual(s) with craniosynostosis (Invitae). In at least one individual the variant was observed to be de novo. ClinVar contains an entry for this variant (Variation ID: 1455499). Algorithms developed to predict the effect of missense changes on protein structure and function are either unavailable or do not agree on the potential impact of this missense change (SIFT: "Deleterious"; PolyPhen-2: "Probably Damaging"; Align-GVGD: "Class C0"). This variant disrupts the p.Ile156 amino acid residue in TWIST1. Other variant(s) that disrupt this residue have been observed in individuals with TWIST1-related conditions (PMID: 11754069, 31754721; Invitae), which suggests that this may be a clinically significant amino acid residue. For these reasons, this variant has been classified as Pathogenic.

Literature cited by the submitters: PubMed 11754069; PubMed 31754721.